The following is an entry in ClinVar:

NM_000748.3(CHRNB2):c.1088_1093dup (p.361LR[3])

Gene: CHRNB2 (cholinergic receptor nicotinic beta 2 subunit; plus strand). Cytogenetic location: 1q21.3.
Variant type: Duplication.
Coding change: c.1088_1093dup on transcript NM_000748.3 (MANE Select); coding-DNA positions 1088 to 1093, 6 bases duplicated (TGCGGC; older notation c.1088_1093dupTGCGGC).
Protein change: p.361LR[3].
Molecular consequence: inframe insertion.
Genome position (GRCh38, 1-based): chr1:154,571,911-154,571,916, TGCGGC duplicated; duplicating any 6 consecutive bases within chr1:154,571,910-154,571,916 gives the same sequence; the c. name uses the placement nearest the transcript's 3' end. VCF-style (leftmost placement, unchanged base first): chr1-154571909-C-CCTGCGG. GRCh37 (hg19) VCF-style: chr1-154544385-C-CCTGCGG.
Identifiers: ClinVar variation 1468260 (VCV001468260.8), dbSNP rs2101521963, ClinGen allele CA2573131076.

ClinVar aggregate classification (germline): Uncertain significance (1 of 4 stars; one submission).

Conditions:
Familial sleep-related hypermotor epilepsy. Also called: Autosomal Dominant Sleep-Related Hypermotor (Hyperkinetic) Epilepsy. Identifiers: Orphanet 98784, MedGen C3696898, MONDO:0000030.

Submission:

Labcorp Genetics (formerly Invitae), Labcorp
Classification: Uncertain significance. Last evaluated: 2021-05-29. Review status: criteria provided, single submitter. Criteria: Invitae Variant Classification Sherloc (09022015). Collection method: clinical testing. Allele origin: germline.
Comment: In summary, the available evidence is currently insufficient to determine the role of this variant in disease. Therefore, it has been classified as a Variant of Uncertain Significance. Experimental studies and prediction algorithms are not available or were not evaluated, and the functional significance of this variant is currently unknown. This variant has not been reported in the literature in individuals with CHRNB2-related conditions. This variant is not present in population databases (ExAC no frequency). This variant, c.1088_1093dup, results in the insertion of 2 amino acid(s) to the CHRNB2 protein (p.Leu363_Arg364dup), but otherwise preserves the integrity of the reading frame.